The following is an entry in ClinVar:

NM_020719.3(PRR12):c.149A>G (p.Tyr50Cys)

Gene: PRR12 (proline rich 12; plus strand). Cytogenetic location: 19q13.33.
Variant type: single nucleotide variant.
Coding change: c.149A>G on transcript NM_020719.3 (MANE Select); coding-DNA position 149, A replaced by G.
Protein change: p.Tyr50Cys; replaces tyrosine 50 with cysteine.
Molecular consequence: missense variant.
Genome position (GRCh38, 1-based): chr19:49,593,389, A>G. VCF-style: chr19-49593389-A-G. GRCh37 (hg19) VCF-style: chr19-50096646-A-G.
Other names: short protein forms Y50C.
Identifiers: ClinVar variation 3774657 (VCV003774657.1).

ClinVar aggregate classification (germline): Uncertain significance (1 of 4 stars; one submission).

gnomAD v4.1: 2 of 1,605,604 alleles (0.00012%); highest among the groups gnomAD compares: Non-Finnish European, 0.000085%; no homozygotes.

Submission:

GeneDx
Classification: Uncertain significance. Last evaluated: 2024-09-25. Review status: criteria provided, single submitter. Criteria: GeneDx Variant Classification Process June 2021. Collection method: clinical testing. Allele origin: germline. Affected: yes.
Comment: Not observed at significant frequency in large population cohorts (gnomAD); In silico analysis supports that this missense variant has a deleterious effect on protein structure/function; Has not been previously published as pathogenic or benign to our knowledge